The following is an entry in ClinVar:

NM_005245.4(FAT1):c.5144A>T (p.His1715Leu)

Gene: FAT1 (FAT atypical cadherin 1; minus strand). Cytogenetic location: 4q35.2.
Variant type: single nucleotide variant.
Coding change: c.5144A>T on transcript NM_005245.4 (MANE Select); coding-DNA position 5144, A replaced by T.
Protein change: p.His1715Leu; replaces histidine 1715 with leucine.
Molecular consequence: missense variant.
Genome position (GRCh38, 1-based): chr4:186,621,442, T>A on the plus strand (A>T on the coding strand, the complement: FAT1 is on the minus strand). VCF-style: chr4-186621442-T-A. GRCh37 (hg19) VCF-style: chr4-187542596-T-A.
Other names: short protein forms H1715L.
Identifiers: ClinVar variation 3061269 (VCV003061269.2), dbSNP rs1740042651, ClinGen allele CA358973785.

ClinVar aggregate classification (germline): Uncertain significance (0 of 4 stars; one submission).

Conditions:
FAT1-related disorder. Also called: FAT1-related condition.

Submission:

PreventionGenetics, part of Exact Sciences
Classification: Uncertain significance for FAT1-related condition. Last evaluated: 2024-02-26. Review status: no assertion criteria provided. Collection method: clinical testing. Allele origin: germline.
Comment: The FAT1 c.5144A>T variant is predicted to result in the amino acid substitution p.His1715Leu. To our knowledge, this variant has not been reported in the literature or in a large population database, indicating this variant is rare. At this time, the clinical significance of this variant is uncertain due to the absence of conclusive functional and genetic evidence.